The following is an entry in ClinVar:

ClinVar aggregate classification (germline): Uncertain significance (0 of 4 stars; one submission).

Conditions:
DIAPH1-related disorder. Also called: DIAPH1-related condition.

Submission:

PreventionGenetics, part of Exact Sciences
Classification: Uncertain significance for DIAPH1-related condition. Last evaluated: 2024-07-24. Review status: no assertion criteria provided. Collection method: clinical testing. Allele origin: germline.
Comment: The DIAPH1 c.3604C>T variant is predicted to result in the amino acid substitution p.Leu1202Phe. To our knowledge, this variant has not been reported in the literature or in a large population database, indicating this variant is rare. At this time, the clinical significance of this variant is uncertain due to the absence of conclusive functional and genetic evidence.

NM_005219.5(DIAPH1):c.3604C>T (p.Leu1202Phe)

Gene: DIAPH1 (diaphanous related formin 1; minus strand). Cytogenetic location: 5q31.3.
Variant type: single nucleotide variant.
Coding change: c.3604C>T on transcript NM_005219.5 (MANE Select); coding-DNA position 3604, C replaced by T.
Protein change: p.Leu1202Phe; replaces leucine 1202 with phenylalanine.
Molecular consequence: missense variant.
Genome position (GRCh38, 1-based): chr5:141,524,200, G>A on the plus strand (C>T on the coding strand, the complement: DIAPH1 is on the minus strand). VCF-style: chr5-141524200-G-A. GRCh37 (hg19) VCF-style: chr5-140903767-G-A.
Other names: c.3577C>T, p.Leu1193Phe (NM_001079812.3); c.3604C>T, p.Leu1202Phe (NM_001314007.2); short protein forms L1193F, L1202F.
Identifiers: ClinVar variation 3345900 (VCV003345900.1).
Genomic context (GRCh38, chr5:141,524,200, plus strand): 5'-TACCTTGACGGGGCCCTCTCTTCCGTCGGAATGCTGCCCCTGACTGCAGGGCTTCTAGAA[G>A]ACTGTCCATCACACCTGTCTCATCGCCCTCTGTTATAAAGAACAAGATGGAGATGTGAAC-3'
Protein context (NP_005210.3, residues 1192-1212): EGDETGVMDS[Leu1202Phe]LEALQSGAAF